The following is an entry in ClinVar:

NM_001001433.3(STX16):c.581C>T (p.Ser194Phe)

Genes: STX16 (syntaxin 16; plus strand), STX16-NPEPL1 (STX16-NPEPL1 readthrough (NMD candidate); plus strand). Cytogenetic location: 20q13.32.
Variant type: single nucleotide variant.
Coding change: c.581C>T on transcript NM_001001433.3 (MANE Select); coding-DNA position 581, C replaced by T.
Protein change: p.Ser194Phe; replaces serine 194 with phenylalanine.
Molecular consequence: missense variant. On other transcripts: non-coding transcript variant (4).
Genome position (GRCh38, 1-based): chr20:58,670,536, C>T. VCF-style: chr20-58670536-C-T. GRCh37 (hg19) VCF-style: chr20-57245592-C-T.
Other names: c.569C>T, p.Ser190Phe (NM_001134772.3); c.530C>T, p.Ser177Phe (NM_001134773.3); c.422C>T, p.Ser141Phe (NM_001204868.2); c.518C>T, p.Ser173Phe (NM_003763.6); short protein forms S141F, S190F, S194F, S177F, S173F.
Identifiers: ClinVar variation 3632783 (VCV003632783.2).

ClinVar aggregate classification (germline): Uncertain significance (1 of 4 stars; one submission).

Submission:

Labcorp Genetics (formerly Invitae), Labcorp
Classification: Uncertain significance. Last evaluated: 2025-02-24. Review status: criteria provided, single submitter. Criteria: Invitae Variant Classification Sherloc (09022015). Collection method: clinical testing. Allele origin: germline.
Comment: This sequence change replaces serine, which is neutral and polar, with phenylalanine, which is neutral and non-polar, at codon 194 of the STX16 protein (p.Ser194Phe). This variant is not present in population databases (gnomAD no frequency). This variant has not been reported in the literature in individuals affected with STX16-related conditions. Invitae Evidence Modeling of protein sequence and biophysical properties (such as structural, functional, and spatial information, amino acid conservation, physicochemical variation, residue mobility, and thermodynamic stability) indicates that this missense variant is not expected to disrupt STX16 protein function with a negative predictive value of 80%. In summary, the available evidence is currently insufficient to determine the role of this variant in disease. Therefore, it has been classified as a Variant of Uncertain Significance.